The following is an entry in ClinVar:

ClinVar aggregate classification (germline): Uncertain significance (1 of 4 stars; one submission).

Allele frequency attached by ClinVar (database versions not stated): 1000 Genomes Project 30x 0.00016.
gnomAD v4.1: 10 of 1,612,448 alleles (0.00062%); highest among the groups gnomAD compares: East Asian, 0.0067%; no homozygotes.

Submission:

Labcorp Genetics (formerly Invitae), Labcorp
Classification: Uncertain significance. Last evaluated: 2021-11-30. Review status: criteria provided, single submitter. Criteria: Invitae Variant Classification Sherloc (09022015). Collection method: clinical testing. Allele origin: germline.
Comment: This sequence change replaces arginine, which is basic and polar, with histidine, which is basic and polar, at codon 1504 of the FLNB protein (p.Arg1504His). This variant is present in population databases (rs111498181, gnomAD 0.02%). This variant has not been reported in the literature in individuals affected with FLNB-related conditions. Advanced modeling of protein sequence and biophysical properties (such as structural, functional, and spatial information, amino acid conservation, physicochemical variation, residue mobility, and thermodynamic stability) performed at Invitae indicates that this missense variant is not expected to disrupt FLNB protein function. In summary, the available evidence is currently insufficient to determine the role of this variant in disease. Therefore, it has been classified as a Variant of Uncertain Significance.

NM_001457.4(FLNB):c.4511G>A (p.Arg1504His)

Gene: FLNB (filamin B; plus strand). Cytogenetic location: 3p14.3.
Variant type: single nucleotide variant.
Coding change: c.4511G>A on transcript NM_001457.4 (MANE Select); coding-DNA position 4511, G replaced by A.
Protein change: p.Arg1504His; replaces arginine 1504 with histidine.
Molecular consequence: missense variant.
Genome position (GRCh38, 1-based): chr3:58,132,928, G>A. VCF-style: chr3-58132928-G-A. GRCh37 (hg19) VCF-style: chr3-58118655-G-A.
Other names: c.4604G>A, p.Arg1535His (NM_001164317.2); c.4511G>A, p.Arg1504His (NM_001164318.2, NM_001164319.2); short protein forms R1504H, R1535H.
Identifiers: ClinVar variation 1466107 (VCV001466107.6), dbSNP rs111498181, ClinGen allele CA2468788.